The following is an entry in ClinVar:

ClinVar aggregate classification (germline): Pathogenic (1 of 4 stars; one submission).

Submission:

Labcorp Genetics (formerly Invitae), Labcorp
Classification: Pathogenic. Last evaluated: 2023-06-27. Review status: criteria provided, single submitter. Criteria: Invitae Variant Classification Sherloc (09022015). Collection method: clinical testing. Allele origin: germline.
Comment: This sequence change creates a premature translational stop signal (p.Arg453Alafs*15) in the CYP11B1 gene. While this is not anticipated to result in nonsense mediated decay, it is expected to disrupt the last 51 amino acid(s) of the CYP11B1 protein. This variant is present in population databases (rs767599353, gnomAD 0.0009%). This variant has not been reported in the literature in individuals affected with CYP11B1-related conditions. This variant disrupts a region of the CYP11B1 protein in which other variant(s) (p.Arg454Cys) have been determined to be pathogenic (PMID: 20529578, 20947076, 22964742, 25911436). This suggests that this is a clinically significant region of the protein, and that variants that disrupt it are likely to be disease-causing. For these reasons, this variant has been classified as Pathogenic.

Literature cited by the submitters: PubMed 20529578; PubMed 20947076; PubMed 22964742; PubMed 25911436.

NM_000497.4(CYP11B1):c.1356_1359del (p.Arg453fs)

Genes: CYP11B1 (cytochrome P450 family 11 subfamily B member 1; minus strand), LOC106799833 (CYP11B1 recombination region; plus strand). Cytogenetic location: 8q24.3.
Variant type: Deletion.
Coding change: c.1356_1359del on transcript NM_000497.4 (MANE Select); coding-DNA positions 1356 to 1359, 4 bases deleted (GCGG; older notation c.1356_1359delGCGG).
Protein change: p.Arg453fs; shifts the reading frame from arginine 453.
Molecular consequence: frameshift variant. On other transcripts: intron variant (1).
Genome position (GRCh38, 1-based): chr8:142,874,996-142,874,999, CCGC deleted on the plus strand (GCGG on the coding strand, the reverse complement: CYP11B1 is on the minus strand); deleting any 4 consecutive bases within chr8:142,874,996-142,875,001 gives the same sequence; the c. name uses the placement nearest the transcript's 3' end. VCF-style (leftmost placement, unchanged base first): chr8-142874995-GCCGC-G. GRCh37 (hg19) VCF-style: chr8-143956411-GCCGC-G.
Other names: c.1200+235_1200+238del (NM_001026213.1); short protein forms R453fs.
Identifiers: ClinVar variation 2730087 (VCV002730087.3), dbSNP rs767599353, ClinGen allele CA4905011.